The following is an entry in ClinVar:

NM_015102.5(NPHP4):c.2444C>T (p.Ser815Leu)

Gene: NPHP4 (nephrocystin 4; minus strand). Cytogenetic location: 1p36.31.
Variant type: single nucleotide variant.
Coding change: c.2444C>T on transcript NM_015102.5 (MANE Select); coding-DNA position 2444, C replaced by T.
Protein change: p.Ser815Leu; replaces serine 815 with leucine.
Molecular consequence: missense variant. On other transcripts: non-coding transcript variant (1).
Genome position (GRCh38, 1-based): chr1:5,887,327, G>A on the plus strand (C>T on the coding strand, the complement: NPHP4 is on the minus strand). VCF-style: chr1-5887327-G-A. GRCh37 (hg19) VCF-style: chr1-5947387-G-A.
Other names: c.2444C>T (NM_015102.3, NM_015102.4); c.905C>T, p.Ser302Leu (NM_001291593.2); c.908C>T, p.Ser303Leu (NM_001291594.2); short protein forms S302L, S815L, S303L.
Identifiers: ClinVar variation 1389578 (VCV001389578.10), dbSNP rs202165848, ClinGen allele CA17147345.

ClinVar aggregate classification (germline): Uncertain significance. Review status: criteria provided, multiple submitters, no conflicts (2 of 4 stars). 5 submissions from 5 submitters: Uncertain significance (5). Last evaluated 2025-10-13.

Conditions:
Nephronophthisis 4 (NPHP4). Also called: NEPHRONOPHTHISIS 4, JUVENILE. Identifiers: Orphanet 655, MedGen C1847013, MONDO:0011752, OMIM 606966.
Senior-Loken syndrome 4 (SLSN4). Identifiers: Orphanet 3156, MedGen C1846979, MONDO:0011756, OMIM 606996.
Nephronophthisis. Also called: Juvenile Nephronophthisis. Identifiers: Orphanet 655, MedGen C0687120, MONDO:0019005, HP:0000090.
NPHP4-related disorder. Also called: NPHP4-related condition; NPHP4-related disorders. Identifiers: MedGen CN239384.
Inborn genetic diseases. Identifiers: MedGen C0950123, MeSH D030342.

Allele frequency attached by ClinVar (database versions not stated): gnomAD exomes 0.00001; gnomAD 0.00002; TOPMed 0.00006; ESP Exome Variant Server 0.00008.
gnomAD v4.1: 22 of 1,613,422 alleles (0.0014%); highest among the groups gnomAD compares: Middle Eastern, 0.016%; no homozygotes.

Submissions (5):

PreventionGenetics, part of Exact Sciences
Classification: Uncertain significance for NPHP4-related condition. Last evaluated: 2025-10-13. Review status: criteria provided, single submitter. Criteria: ACMG Guidelines, 2015. Collection method: clinical testing. Allele origin: germline.
Comment: The NPHP4 c.2444C>T variant is predicted to result in the amino acid substitution p.Ser815Leu. To our knowledge, this variant has not been reported in the literature. This variant is reported in 0.0033% of alleles in individuals of South Asian descent in gnomAD. At this time, the clinical significance of this variant is uncertain due to the absence of conclusive functional and genetic evidence.

Ambry Genetics
Classification: Uncertain significance for Inborn genetic diseases. Last evaluated: 2024-10-01. Review status: criteria provided, single submitter. Criteria: Ambry Variant Classification Scheme 2023. Collection method: clinical testing. Allele origin: germline.

Blueprint Genetics
Classification: Uncertain significance. Last evaluated: 2024-08-06. Review status: criteria provided, single submitter. Criteria: ACMG Guidelines, 2015. Collection method: clinical testing. Allele origin: germline.

Labcorp Genetics (formerly Invitae), Labcorp
Classification: Uncertain significance for Nephronophthisis. Last evaluated: 2024-02-24. Review status: criteria provided, single submitter. Criteria: Invitae Variant Classification Sherloc (09022015). Collection method: clinical testing. Allele origin: germline.
Comment: This sequence change replaces serine, which is neutral and polar, with leucine, which is neutral and non-polar, at codon 815 of the NPHP4 protein (p.Ser815Leu). This variant is present in population databases (rs202165848, gnomAD 0.003%). This variant has not been reported in the literature in individuals affected with NPHP4-related conditions. ClinVar contains an entry for this variant (Variation ID: 1389578). Advanced modeling of protein sequence and biophysical properties (such as structural, functional, and spatial information, amino acid conservation, physicochemical variation, residue mobility, and thermodynamic stability) performed at Invitae indicates that this missense variant is not expected to disrupt NPHP4 protein function with a negative predictive value of 80%. In summary, the available evidence is currently insufficient to determine the role of this variant in disease. Therefore, it has been classified as a Variant of Uncertain Significance.

Fulgent Genetics
Classification: Uncertain significance for Nephronophthisis 4; Senior-Loken syndrome 4. Last evaluated: 2024-02-12. Review status: criteria provided, single submitter. Criteria: ACMG Guidelines, 2015. Collection method: clinical testing. Allele origin: germline.